The following is an entry in ClinVar:

NM_004360.5(CDH1):c.1952T>C (p.Ile651Thr)

Gene: CDH1 (cadherin 1; plus strand). Cytogenetic location: 16q22.1.
Variant type: single nucleotide variant.
Coding change: c.1952T>C on transcript NM_004360.5 (MANE Select); coding-DNA position 1952, T replaced by C.
Protein change: p.Ile651Thr; replaces isoleucine 651 with threonine.
Molecular consequence: missense variant. On other transcripts: 5 prime UTR variant (1).
Genome position (GRCh38, 1-based): chr16:68,823,414, T>C. VCF-style: chr16-68823414-T-C. GRCh37 (hg19) VCF-style: chr16-68857317-T-C.
Other names: c.1769T>C, p.Ile590Thr (NM_001317184.2); c.404T>C, p.Ile135Thr (NM_001317185.2); c.-14T>C (NM_001317186.2); c.1952T>C (LRG_301t1); short protein forms I651T, I135T, I590T.
Identifiers: ClinVar variation 479531 (VCV000479531.16), dbSNP rs1555517080, ClinGen allele CA396467530.
Genomic context (GRCh38, chr16:68,823,414, plus strand): 5'-TTTTCCTCCCCTGGTCTCATCATTTCTTTTTATTGCTTTCTCCAGCCCAAGAATCTATCA[T>C]TTTGAAGCCAAAGATGGCCTTAGAGGTGGGTGACTACAAAATCAATCTCAAGCTCATGGA-3'
Protein context (NP_004351.1, residues 641-661): QYNDPTQESI[Ile651Thr]LKPKMALEVG

ClinVar aggregate classification (germline): Conflicting classifications of pathogenicity. Review status: criteria provided, conflicting classifications (1 of 4 stars). 3 submissions from 3 submitters: Uncertain significance (2); Likely benign (1). Last evaluated 2025-09-30.

Conditions:
Hereditary cancer-predisposing syndrome. Also called: Tumor predisposition; Neoplastic Syndromes, Hereditary; Hereditary Cancer Syndrome; Hereditary neoplastic syndrome. Identifiers: Orphanet 140162, MedGen C0027672, MeSH D009386, MONDO:0015356.
Hereditary diffuse gastric adenocarcinoma (HDGC). Also called: DIFFUSE GASTRIC AND LOBULAR BREAST CANCER SYNDROME. Identifiers: Orphanet 26106, MedGen C1708349, MONDO:0007648, OMIM 137215.

Submissions (3):

Ambry Genetics
Classification: Likely benign for Hereditary cancer-predisposing syndrome. Last evaluated: 2025-09-30. Review status: criteria provided, single submitter. Criteria: Ambry Variant Classification Scheme 2023. Collection method: clinical testing. Allele origin: germline.

Color Diagnostics, LLC DBA Color Health
Classification: Uncertain significance for Hereditary cancer-predisposing syndrome. Last evaluated: 2023-12-04. Review status: criteria provided, single submitter. Criteria: ACMG Guidelines, 2015. Collection method: clinical testing. Allele origin: germline.
Comment: This missense variant replaces isoleucine with threonine at codon 651 of the CDH1 protein. Splice site prediction tools suggest that this variant may not impact RNA splicing. To our knowledge, functional studies have not been reported for this variant. This variant has not been reported in individuals affected with hereditary cancer in the literature. This variant has not been identified in the general population by the Genome Aggregation Database (gnomAD). The available evidence is insufficient to determine the role of this variant in disease conclusively. Therefore, this variant is classified as a Variant of Uncertain Significance.

Labcorp Genetics (formerly Invitae), Labcorp
Classification: Uncertain significance for Hereditary diffuse gastric adenocarcinoma. Last evaluated: 2022-02-09. Review status: criteria provided, single submitter. Criteria: Invitae Variant Classification Sherloc (09022015). Collection method: clinical testing. Allele origin: germline.
Comment: In summary, the available evidence is currently insufficient to determine the role of this variant in disease. Therefore, it has been classified as a Variant of Uncertain Significance. Algorithms developed to predict the effect of missense changes on protein structure and function output the following: SIFT: "Tolerated"; PolyPhen-2: "Benign"; Align-GVGD: "Class C0". The threonine amino acid residue is found in multiple mammalian species, which suggests that this missense change does not adversely affect protein function. ClinVar contains an entry for this variant (Variation ID: 479531). This variant has not been reported in the literature in individuals affected with CDH1-related conditions. This variant is not present in population databases (gnomAD no frequency). This sequence change replaces isoleucine, which is neutral and non-polar, with threonine, which is neutral and polar, at codon 651 of the CDH1 protein (p.Ile651Thr).